The following is an entry in ClinVar:

ClinVar aggregate classification (germline): Uncertain significance (1 of 4 stars; one submission).

Submission:

GeneDx
Classification: Uncertain significance. Last evaluated: 2024-12-11. Review status: criteria provided, single submitter. Criteria: GeneDx Variant Classification Process June 2021. Collection method: clinical testing. Allele origin: germline. Affected: yes.
Comment: Not observed at significant frequency in large population cohorts (gnomAD); In silico analysis supports that this missense variant has a deleterious effect on protein structure/function; Has not been previously published as pathogenic or benign to our knowledge

NM_001967.4(EIF4A2):c.131T>A (p.Leu44His)

Gene: EIF4A2 (eukaryotic translation initiation factor 4A2; plus strand). Cytogenetic location: 3q27.3.
Variant type: single nucleotide variant.
Coding change: c.131T>A on transcript NM_001967.4 (MANE Select); coding-DNA position 131, T replaced by A.
Protein change: p.Leu44His; replaces leucine 44 with histidine.
Molecular consequence: missense variant.
Genome position (GRCh38, 1-based): chr3:186,784,619, T>A. VCF-style: chr3-186784619-T-A. GRCh37 (hg19) VCF-style: chr3-186502408-T-A.
Other names: short protein forms L44H.
Identifiers: ClinVar variation 3903008 (VCV003903008.1).